The following is an entry in ClinVar:

NM_025132.4(WDR19):c.1357-2A>T

Gene: WDR19 (WD repeat domain 19; plus strand). Cytogenetic location: 4p14.
Variant type: single nucleotide variant.
Coding change: c.1357-2A>T on transcript NM_025132.4 (MANE Select); the canonical splice acceptor site of the intron before coding-DNA position 1357, A replaced by T.
Molecular consequence: splice acceptor variant.
Genome position (GRCh38, 1-based): chr4:39,217,981, A>T. VCF-style: chr4-39217981-A-T. GRCh37 (hg19) VCF-style: chr4-39219601-A-T.
Other names: c.877-2A>T (NM_001317924.2).
Identifiers: ClinVar variation 1066118 (VCV001066118.9), dbSNP rs1221444922, ClinGen allele CA356631012.

ClinVar aggregate classification (germline): Likely pathogenic (1 of 4 stars; one submission).

Conditions:
Senior-Loken syndrome 8 (SLSN8). Identifiers: Orphanet 3156, MedGen C4225376, MONDO:0014579, OMIM 616307.
Asphyxiating thoracic dystrophy 5 (SRTD5). Also called: SHORT-RIB THORACIC DYSPLASIA 5 WITH OR WITHOUT POLYDACTYLY; SHORT-RIB THORACIC DYSPLASIA 5 WITHOUT POLYDACTYLY. Identifiers: Orphanet 474, MedGen C3280598, MONDO:0013717, OMIM 614376.

Submission:

Labcorp Genetics (formerly Invitae), Labcorp
Classification: Likely pathogenic for Senior-Loken syndrome 8; Asphyxiating thoracic dystrophy 5. Last evaluated: 2020-06-23. Review status: criteria provided, single submitter. Criteria: Invitae Variant Classification Sherloc (09022015). Collection method: clinical testing. Allele origin: germline.
Comment: In summary, the currently available evidence indicates that the variant is pathogenic, but additional data are needed to prove that conclusively. Therefore, this variant has been classified as Likely Pathogenic. Donor and acceptor splice site variants typically lead to a loss of protein function (PMID: 16199547), and loss-of-function variants in WDR19 are known to be pathogenic (PMID: 22019273, 23559409, 23683095, 26275793, 27241786, 29068549). Algorithms developed to predict the effect of sequence changes on RNA splicing suggest that this variant may disrupt the consensus splice site, but this prediction has not been confirmed by published transcriptional studies. This variant has been observed in individual(s) with clinical features of WDR19-related conditions (Invitae). This variant is not present in population databases (ExAC no frequency). This sequence change affects an acceptor splice site in intron 13 of the WDR19 gene. It is expected to disrupt RNA splicing and likely results in an absent or disrupted protein product.

Literature cited by the submitters: PubMed 16199547; PubMed 22019273; PubMed 23559409; PubMed 23683095; PubMed 26275793; PubMed 27241786; PubMed 29068549.